The following is an entry in ClinVar:

ClinVar aggregate classification (germline): Likely benign (1 of 4 stars; one submission).

Allele frequency attached by ClinVar (database versions not stated): 1000 Genomes Project 30x 0.00031; 1000 Genomes Project 0.00040; ESP Exome Variant Server 0.00208; gnomAD 0.00219; ExAC 0.00222; TOPMed 0.00255; gnomAD exomes 0.00362.
gnomAD v4.1: 5,640 of 1,614,070 alleles (0.35%); highest among the groups gnomAD compares: Non-Finnish European, 0.41%; 15 homozygotes.

Submission:

CeGaT Center for Human Genetics Tuebingen
Classification: Likely benign. Last evaluated: 2022-10-01. Review status: criteria provided, single submitter. Criteria: CeGaT Center For Human Genetics Tuebingen Variant Classification Criteria Version 2. Collection method: clinical testing. Allele origin: germline. Affected: yes. Observed: 1 variant allele.
Comment: TACC2: BP4, BP7

NM_206862.4(TACC2):c.7674T>C (p.Pro2558=)

Gene: TACC2 (transforming acidic coiled-coil containing protein 2; plus strand). Cytogenetic location: 10q26.13.
Variant type: single nucleotide variant.
Coding change: c.7674T>C on transcript NM_206862.4 (MANE Select); coding-DNA position 7674, T replaced by C.
Protein change: p.Pro2558=; no amino-acid change (proline 2558 retained).
Molecular consequence: synonymous variant.
Genome position (GRCh38, 1-based): chr10:122,226,431, T>C. VCF-style: chr10-122226431-T-C. GRCh37 (hg19) VCF-style: chr10-123985946-T-C.
Other names: c.7539T>C, p.Pro2513= (NM_001291876.2); c.7686T>C, p.Pro2562= (NM_001291877.2); c.1944T>C, p.Pro648= (NM_001291878.2); c.786T>C, p.Pro262= (NM_001291879.2); c.1908T>C, p.Pro636= (NM_006997.4, NM_206860.3); c.2112T>C, p.Pro704= (NM_206861.3).
Identifiers: ClinVar variation 2640900 (VCV002640900.24), dbSNP rs142125896, ClinGen allele CA5724135.